The following is an entry in ClinVar:

NM_000352.6(ABCC8):c.740T>A (p.Leu247Ter)

Gene: ABCC8 (ATP binding cassette subfamily C member 8; minus strand). Cytogenetic location: 11p15.1.
Variant type: single nucleotide variant.
Coding change: c.740T>A on transcript NM_000352.6 (MANE Select); coding-DNA position 740, T replaced by A.
Protein change: p.Leu247Ter; replaces leucine 247 with a stop codon.
Molecular consequence: nonsense. On other transcripts: non-coding transcript variant (1).
Genome position (GRCh38, 1-based): chr11:17,461,665, A>T on the plus strand (T>A on the coding strand, the complement: ABCC8 is on the minus strand). VCF-style: chr11-17461665-A-T. GRCh37 (hg19) VCF-style: chr11-17483212-A-T.
Other names: c.740T>A, p.Leu247Ter (NM_001287174.3, NM_001351295.2, NM_001351296.2 and 1 more transcripts); short protein forms L247*.
Identifiers: ClinVar variation 4818259 (VCV004818259.1).

ClinVar aggregate classification (germline): Likely pathogenic (1 of 4 stars; one submission).

Conditions:
Hereditary hyperinsulinism.

Submission:

Natera, Inc.
Classification: Likely pathogenic for Hereditary hyperinsulinism. Last evaluated: 2024-02-24. Review status: criteria provided, single submitter. Criteria: Natera Variant Classification Schema (03/2026). Collection method: clinical testing. Allele origin: germline.
Comment: The c.740T>A variant in ABCC8 is a nonsense variant predicted to introduce a stop codon at amino acid 247. This variant is expected to result in nonsense mediated decay, truncation, or a dysfunctional protein product. This variant is rare in the general population with a frequency below the threshold expected for the associated phenotype(s). Given the available evidence, this variant is classified as Likely Pathogenic.